The following is an entry in ClinVar:

ClinVar aggregate classification (germline): Likely benign. Review status: reviewed by expert panel (3 of 4 stars). 3 submissions from 3 submitters: Likely benign (1). 2 of the submissions do not count toward it. Last evaluated 2017-06-29.

Conditions:
Hereditary cancer-predisposing syndrome. Also called: Tumor predisposition; Hereditary Cancer Syndrome; Hereditary neoplastic syndrome; Neoplastic Syndromes, Hereditary. Identifiers: Orphanet 140162, MedGen C0027672, MeSH D009386, MONDO:0015356.
Hereditary breast ovarian cancer syndrome. Also called: Hereditary breast and ovarian cancer; Breast and ovarian cancer; BRCA1- and BRCA2-Associated Hereditary Breast and Ovarian Cancer; Hereditary breast and ovarian cancer syndrome; Hereditary breast and ovarian cancer syndrome (HBOC); Hereditary breast and/or ovarian cancer syndrome. Identifiers: Orphanet 145, MedGen C0677776, MeSH D061325, MONDO:0003582. Disease mechanism: loss of function.
Breast-ovarian cancer, familial, susceptibility to, 2 (BROVCA2). Also called: BRCA2 Hereditary Breast and Ovarian Cancer. Identifiers: Orphanet 145, MedGen C2675520, MONDO:0012933, OMIM 612555. Disease mechanism: loss of function.

Allele frequency attached by ClinVar (database versions not stated): gnomAD exomes 0.00001.

Submissions (3):

Evidence-based Network for the Interpretation of Germline Mutant Alleles (ENIGMA)
Classification: Likely benign for Breast-ovarian cancer, familial, susceptibility to, 2. Last evaluated: 2017-06-29. Review status: reviewed by expert panel. Criteria: ENIGMA BRCA1/2 Classification Criteria (2017-06-29). Collection method: curation. Allele origin: germline.
Comment: Synonymous substitution variant, with low bioinformatic likelihood to result in a splicing aberration (Splicing prior probability 0.02).

Labcorp Genetics (formerly Invitae), Labcorp
Classification: Likely benign for Hereditary breast ovarian cancer syndrome. Last evaluated: 2025-06-23. Review status: criteria provided, single submitter. Criteria: Invitae Variant Classification Sherloc (09022015). Collection method: clinical testing. Allele origin: germline. Not counted in ClinVar's aggregate classification.

Ambry Genetics
Classification: Likely benign for Hereditary cancer-predisposing syndrome. Last evaluated: 2015-08-03. Review status: criteria provided, single submitter. Criteria: Ambry Variant Classification Scheme 2023. Collection method: clinical testing. Allele origin: germline. Not counted in ClinVar's aggregate classification.

NM_000059.4(BRCA2):c.9135A>G (p.Leu3045=)

Gene: BRCA2 (BRCA2 DNA repair associated; plus strand). Cytogenetic location: 13q13.1.
Variant type: single nucleotide variant.
Coding change: c.9135A>G on transcript NM_000059.4 (MANE Select); coding-DNA position 9135, A replaced by G.
Protein change: p.Leu3045=; no amino-acid change (leucine 3045 retained).
Molecular consequence: synonymous variant.
Genome position (GRCh38, 1-based): chr13:32,380,024, A>G. VCF-style: chr13-32380024-A-G. GRCh37 (hg19) VCF-style: chr13-32954161-A-G.
Identifiers: ClinVar variation 233350 (VCV000233350.16), dbSNP rs876660349, ClinGen allele CA10579812.